The following is an entry in ClinVar:

ClinVar aggregate classification (germline): Conflicting classifications of pathogenicity. Review status: criteria provided, conflicting classifications (1 of 4 stars). 2 submissions from 2 submitters: Uncertain significance (1); Likely benign (1). Last evaluated 2026-01-02.

Conditions:
Hereditary cancer-predisposing syndrome. Also called: Neoplastic Syndromes, Hereditary; Tumor predisposition; Hereditary neoplastic syndrome; Hereditary Cancer Syndrome. Identifiers: Orphanet 140162, MedGen C0027672, MeSH D009386, MONDO:0015356.
EGFR-related lung cancer (EGFR). Identifiers: MedGen CN130014.

Allele frequency attached by ClinVar (database versions not stated): TOPMed 0.00001; gnomAD 0.00002; gnomAD exomes 0.00004 and 0.00008; ExAC 0.00008.
gnomAD v4.1: 104 of 1,508,852 alleles (0.0069%); highest among the groups gnomAD compares: Non-Finnish European, 0.0091%; no homozygotes.

Submissions (2):

Labcorp Genetics (formerly Invitae), Labcorp
Classification: Uncertain significance for EGFR-related lung cancer. Last evaluated: 2026-01-02. Review status: criteria provided, single submitter. Criteria: Invitae Variant Classification Sherloc (09022015). Collection method: clinical testing. Allele origin: germline.
Comment: This sequence change replaces threonine, which is neutral and polar, with alanine, which is neutral and non-polar, at codon 6 of the EGFR protein (p.Thr6Ala). This variant is present in population databases (rs767651648, gnomAD 0.008%). This variant has not been reported in the literature in individuals affected with EGFR-related conditions. ClinVar contains an entry for this variant (Variation ID: 360452). An algorithm developed to predict the effect of missense changes on protein structure and function outputs the following: PolyPhen-2: "Benign". The alanine amino acid residue is found in multiple mammalian species, which suggests that this missense change does not adversely affect protein function. In summary, the available evidence is currently insufficient to determine the role of this variant in disease. Therefore, it has been classified as a Variant of Uncertain Significance.

Ambry Genetics
Classification: Likely benign for Hereditary cancer-predisposing syndrome. Last evaluated: 2025-01-31. Review status: criteria provided, single submitter. Criteria: Ambry Variant Classification Scheme 2023. Collection method: clinical testing. Allele origin: germline.

NM_005228.5(EGFR):c.16A>G (p.Thr6Ala)

Gene: EGFR (epidermal growth factor receptor; plus strand). Cytogenetic location: 7p11.2.
Variant type: single nucleotide variant.
Coding change: c.16A>G on transcript NM_005228.5 (MANE Select); coding-DNA position 16, A replaced by G.
Protein change: p.Thr6Ala; replaces threonine 6 with alanine.
Molecular consequence: missense variant.
Genome position (GRCh38, 1-based): chr7:55,019,293, A>G. VCF-style: chr7-55019293-A-G. GRCh37 (hg19) VCF-style: chr7-55086986-A-G.
Other names: c.16A>G, p.Thr6Ala (NM_001346897.2, NM_001346898.2, NM_001346899.2 and 4 more transcripts); short protein forms T6A.
Identifiers: ClinVar variation 360452 (VCV000360452.8), dbSNP rs767651648, ClinGen allele CA4265101.